The following is an entry in ClinVar:

ClinVar aggregate classification (germline): Uncertain significance (1 of 4 stars; one submission).

Allele frequency attached by ClinVar (database versions not stated): TOPMed below 0.00001.

Submission:

GeneDx
Classification: Uncertain significance. Last evaluated: 2012-09-04. Review status: criteria provided, single submitter. Criteria: GeneDx Variant Classification (06012015). Collection method: clinical testing. Allele origin: germline. Affected: yes.
Comment: The Asp207Gly variant in the ACTN2 gene has not been reported as a disease-causing mutation or as a benign polymorphism to our knowledge. The NHLBI ESP Exome Variant Server reports Asp207Gly was not observed in approximately 6,500 samples from individuals of European and African American backgrounds, indicating it is not a common benign variant in these populations. Asp207Gly results in a non-conservative amino acid substitution of a negatively charged Aspartic acid residue with a non-polar Glycine residue at a position that is highly conserved across species. In silico analysis predicts Asp207Gly is probably damaging to the protein structure/function. However, no mutations have been reported in this region of the ACTN2 gene, indicating this region of the protein may be tolerant of change.The variant is found in DCM panel(s).

NM_001103.4(ACTN2):c.620A>G (p.Asp207Gly)

Gene: ACTN2 (actinin alpha 2; plus strand). Cytogenetic location: 1q43.
Variant type: single nucleotide variant.
Coding change: c.620A>G on transcript NM_001103.4 (MANE Select); coding-DNA position 620, A replaced by G.
Protein change: p.Asp207Gly; replaces aspartic acid 207 with glycine.
Molecular consequence: missense variant. On other transcripts: 5 prime UTR variant (1).
Genome position (GRCh38, 1-based): chr1:236,731,237, A>G. VCF-style: chr1-236731237-A-G. GRCh37 (hg19) VCF-style: chr1-236894537-A-G.
Other names: p.D207G:GAC>GGC; c.620A>G, p.Asp207Gly (NM_001278343.2); c.-202A>G (NM_001278344.2); short protein forms D207G.
Identifiers: ClinVar variation 201630 (VCV000201630.2), dbSNP rs794728962, ClinGen allele CA335011.